The following is an entry in ClinVar:

ClinVar aggregate classification (germline): Uncertain significance (1 of 4 stars; one submission).

Allele frequency attached by ClinVar (database versions not stated): TOPMed below 0.00001.

Submission:

Labcorp Genetics (formerly Invitae), Labcorp
Classification: Uncertain significance. Last evaluated: 2023-08-17. Review status: criteria provided, single submitter. Criteria: Invitae Variant Classification Sherloc (09022015). Collection method: clinical testing. Allele origin: germline.
Comment: In summary, the available evidence is currently insufficient to determine the role of this variant in disease. Therefore, it has been classified as a Variant of Uncertain Significance. Advanced modeling of protein sequence and biophysical properties (such as structural, functional, and spatial information, amino acid conservation, physicochemical variation, residue mobility, and thermodynamic stability) performed at Invitae indicates that this missense variant is not expected to disrupt FAT2 protein function. ClinVar contains an entry for this variant (Variation ID: 1988101). This variant has not been reported in the literature in individuals affected with FAT2-related conditions. This variant is not present in population databases (gnomAD no frequency). This sequence change replaces threonine, which is neutral and polar, with isoleucine, which is neutral and non-polar, at codon 711 of the FAT2 protein (p.Thr711Ile).

NM_001447.3(FAT2):c.2132C>T (p.Thr711Ile)

Gene: FAT2 (FAT atypical cadherin 2; minus strand). Cytogenetic location: 5q33.1.
Variant type: single nucleotide variant.
Coding change: c.2132C>T on transcript NM_001447.3 (MANE Select); coding-DNA position 2132, C replaced by T.
Protein change: p.Thr711Ile; replaces threonine 711 with isoleucine.
Molecular consequence: missense variant.
Genome position (GRCh38, 1-based): chr5:151,566,800, G>A on the plus strand (C>T on the coding strand, the complement: FAT2 is on the minus strand). VCF-style: chr5-151566800-G-A. GRCh37 (hg19) VCF-style: chr5-150946361-G-A.
Other names: short protein forms T711I.
Identifiers: ClinVar variation 1988101 (VCV001988101.4), dbSNP rs1171053487, ClinGen allele CA361852991.